The following is an entry in ClinVar:

ClinVar aggregate classification (germline): Uncertain significance (1 of 4 stars; one submission).

Conditions:
Multiple congenital exostosis (EXT). Also called: Hereditary multiple exostoses; Hereditary multiple exostosis; Hereditary multiple osteochondromas; MULTIPLE CARTILAGINOUS EXOSTOSES; Multiple exostoses; Multiple osteochondromas. Identifiers: Orphanet 321, MedGen C0015306, MONDO:0005508, HP:0002762.

Submission:

Labcorp Genetics (formerly Invitae), Labcorp
Classification: Uncertain significance for Multiple congenital exostosis. Last evaluated: 2020-04-14. Review status: criteria provided, single submitter. Criteria: Invitae Variant Classification Sherloc (09022015). Collection method: clinical testing. Allele origin: germline.
Comment: Experimental studies and prediction algorithms are not available or were not evaluated, and the functional significance of this variant is currently unknown. In summary, the available evidence is currently insufficient to determine the role of this variant in disease. Therefore, it has been classified as a Variant of Uncertain Significance. This variant has been observed in individual(s) with hereditary multiple osteochondromatosis (Invitae). It has also been observed to segregate with disease in related individuals. This variant is not present in population databases (ExAC no frequency). This variant, c.1888_1890del, results in the deletion of 1 amino acid(s) of the EXT1 protein (p.Tyr630del), but otherwise preserves the integrity of the reading frame.

NM_000127.3(EXT1):c.1885TAT[1] (p.Tyr630del)

Gene: EXT1 (exostosin glycosyltransferase 1; minus strand). Cytogenetic location: 8q24.11.
Variant type: Microsatellite.
Coding change: c.1885TAT[1] on transcript NM_000127.3 (MANE Select); one copy of the 3-base unit TAT starting at c.1885; the reference has two copies in a row; one copy, 3 bases deleted.
Protein change: p.Tyr630del; deletes tyrosine 630.
Molecular consequence: inframe deletion.
Genome position (GRCh38, 1-based): chr8:117,804,887-117,804,889, ATA deleted on the plus strand (TAT on the coding strand, the reverse complement: EXT1 is on the minus strand); deleting any 3 consecutive bases within chr8:117,804,887-117,804,892 gives the same sequence; the position shown is the placement nearest the transcript's 3' end. VCF-style (leftmost placement, unchanged base first): chr8-117804886-GATA-G. GRCh37 (hg19) VCF-style: chr8-118817125-GATA-G.
Other names: short protein forms Y630del.
Identifiers: ClinVar variation 839268 (VCV000839268.10), dbSNP rs1823215172, ClinGen allele CA916081514.